The following is an entry in ClinVar:

ClinVar aggregate classification (germline): Likely benign (0 of 4 stars; one submission).

Conditions:
TMEM175-related disorder. Also called: TMEM175-related condition.

Allele frequency attached by ClinVar (database versions not stated): 1000 Genomes Project 30x 0.00219; 1000 Genomes Project 0.00220; TOPMed 0.00280; ExAC 0.00285; gnomAD 0.00307; gnomAD exomes 0.00422; ESP Exome Variant Server 0.00423.
gnomAD v4.1: 6,561 of 1,602,586 alleles (0.41%); highest among the groups gnomAD compares: Non-Finnish European, 0.48%; 25 homozygotes.

Submission:

PreventionGenetics, part of Exact Sciences
Classification: Likely benign for TMEM175-related condition. Last evaluated: 2022-10-07. Review status: no assertion criteria provided. Collection method: clinical testing. Allele origin: germline.
Comment: This variant is classified as likely benign based on ACMG/AMP sequence variant interpretation guidelines (Richards et al. 2015 PMID: 25741868, with internal and published modifications).

NM_032326.4(TMEM175):c.1240C>T (p.Arg414Trp)

Gene: TMEM175 (transmembrane protein 175; plus strand). Cytogenetic location: 4p16.3.
Variant type: single nucleotide variant.
Coding change: c.1240C>T on transcript NM_032326.4 (MANE Select); coding-DNA position 1240, C replaced by T.
Protein change: p.Arg414Trp; replaces arginine 414 with tryptophan.
Molecular consequence: missense variant.
Genome position (GRCh38, 1-based): chr4:958,221, C>T. VCF-style: chr4-958221-C-T. GRCh37 (hg19) VCF-style: chr4-952009-C-T.
Other names: c.994C>T, p.Arg332Trp (NM_001297423.2, NM_001297424.2, NM_001297425.2); c.892C>T, p.Arg298Trp (NM_001297426.2, NM_001297427.2, NM_001297428.2); short protein forms R298W, R332W, R414W.
Identifiers: ClinVar variation 3038724 (VCV003038724.2), dbSNP rs140597786, ClinGen allele CA2799630.